The following is an entry in ClinVar:

ClinVar aggregate classification (germline): Benign. Review status: criteria provided, multiple submitters, no conflicts (2 of 4 stars). 6 submissions from 5 submitters: Benign (6). Last evaluated 2021-12-22.

Conditions:
Usher syndrome type 1D (USH1D). Also called: USHER SYNDROME, TYPE ID. Identifiers: Orphanet 231169, Orphanet 886, MedGen C1832845, MONDO:0010984, OMIM 601067.
Pituitary adenoma 5, multiple types. Identifiers: MedGen C4539685, MONDO:0054601, OMIM 617540.
Autosomal recessive nonsyndromic hearing loss 12. Also called: DEAFNESS, AUTOSOMAL RECESSIVE 12. Identifiers: Orphanet 90636, MedGen C1832394, MONDO:0011067, OMIM 601386.

Allele frequency attached by ClinVar (database versions not stated): 1000 Genomes Project 30x 0.11914; 1000 Genomes Project 0.12061; gnomAD 0.14078 and 0.14152; TOPMed 0.14185; gnomAD exomes 0.14359 and 0.16075; ESP Exome Variant Server 0.14979; ExAC 0.15208.
gnomAD v4.1: 254,614 of 1,603,650 alleles (16%); highest among the groups gnomAD compares: South Asian, 18%; 21,049 homozygotes.

Submissions (6):

Fulgent Genetics
Classification: Benign for Usher syndrome type 1D; Autosomal recessive nonsyndromic hearing loss 12; Pituitary adenoma 5, multiple types. Last evaluated: 2021-12-22. Review status: criteria provided, single submitter. Criteria: ACMG Guidelines, 2015. Collection method: clinical testing. Allele origin: unknown.

Genome-Nilou Lab
Classification: Benign for Usher syndrome type 1D. Last evaluated: 2021-07-01. Review status: criteria provided, single submitter. Criteria: ACMG Guidelines, 2015. Collection method: clinical testing. Allele origin: germline. Affected: no.

Genome-Nilou Lab
Classification: Benign for Autosomal recessive nonsyndromic hearing loss 12. Last evaluated: 2021-07-01. Review status: criteria provided, single submitter. Criteria: ACMG Guidelines, 2015. Collection method: clinical testing. Allele origin: germline. Affected: no.

GeneDx
Classification: Benign. Last evaluated: 2017-06-01. Review status: criteria provided, single submitter. Criteria: GeneDx Variant Classification (06012015). Collection method: clinical testing. Allele origin: germline. Affected: yes.
Comment: This variant is considered likely benign or benign based on one or more of the following criteria: it is a conservative change, it occurs at a poorly conserved position in the protein, it is predicted to be benign by multiple in silico algorithms, and/or has population frequency not consistent with disease.

Laboratory for Molecular Medicine, Mass General Brigham Personalized Medicine
Classification: Benign. Last evaluated: 2012-04-17. Review status: criteria provided, single submitter. Criteria: LMM Criteria. Collection method: clinical testing. Allele origin: germline. Observed: 580 variant alleles.
Comment: Leu527Leu in exon 14A of CDH23: This variant is not expected to have clinical si gnificance because it does not alter an amino acid residue, it is not located wi th the splice consensus sequence, and has been identified in 1376/8220 (16.8%) E uropean American chromosomes and 423/3790 (11.2%) African American chromosomes b y the NHLBI Exome Sequencing Project (dbSNP rs2305 209).

Breakthrough Genomics
Classification: Benign. Review status: criteria provided, single submitter. Criteria: ACMG Guidelines, 2015. Collection method: not provided. Allele origin: germline. Inheritance: Autosomal recessive inheritance. Affected: yes.

NM_022124.6(CDH23):c.1449+130T>C

Gene: CDH23 (cadherin related 23; plus strand). Cytogenetic location: 10q22.1.
Variant type: single nucleotide variant.
Coding change: c.1449+130T>C on transcript NM_022124.6 (MANE Select); 130 bases into the intron after coding-DNA position 1449, T replaced by C.
Molecular consequence: intron variant. On other transcripts: synonymous variant (1).
Genome position (GRCh38, 1-based): chr10:71,646,747, T>C. VCF-style: chr10-71646747-T-C. GRCh37 (hg19) VCF-style: chr10-73406504-T-C.
Other names: c.1579T>C, p.Leu527= (NM_052836.4); c.1449+130T>C (NM_001171930.2, NM_001171931.2).
Identifiers: ClinVar variation 45870 (VCV000045870.9), dbSNP rs2305209, ClinGen allele CA137277.